The following is an entry in ClinVar:

NM_015001.3(SPEN):c.2550G>A (p.Lys850=)

Gene: SPEN (spen family transcriptional repressor; plus strand). Cytogenetic location: 1p36.13.
Variant type: single nucleotide variant.
Coding change: c.2550G>A on transcript NM_015001.3 (MANE Select); coding-DNA position 2550, G replaced by A.
Protein change: p.Lys850=; no amino-acid change (lysine 850 retained).
Molecular consequence: synonymous variant.
Genome position (GRCh38, 1-based): chr1:15,928,790, G>A. VCF-style: chr1-15928790-G-A. GRCh37 (hg19) VCF-style: chr1-16255285-G-A.
Identifiers: ClinVar variation 3025942 (VCV003025942.22), dbSNP rs759593624, ClinGen allele CA619300.

ClinVar aggregate classification (germline): Likely benign (1 of 4 stars; one submission).

Allele frequency attached by ClinVar (database versions not stated): gnomAD exomes below 0.00001; TOPMed below 0.00001; ExAC 0.00002.
gnomAD v4.1: 7 of 1,614,106 alleles (0.00043%); highest among the groups gnomAD compares: Non-Finnish European, 0.00051%; no homozygotes.

Submission:

CeGaT Center for Human Genetics Tuebingen
Classification: Likely benign. Last evaluated: 2024-01-01. Review status: criteria provided, single submitter. Criteria: CeGaT Center For Human Genetics Tuebingen Variant Classification Criteria Version 2. Collection method: clinical testing. Allele origin: germline. Affected: yes. Observed: 1 variant allele.
Comment: SPEN: BP4, BP7